The following is an entry in ClinVar:

ClinVar aggregate classification (germline): Pathogenic/Likely pathogenic. Review status: criteria provided, multiple submitters, no conflicts (2 of 4 stars). 3 submissions from 3 submitters: Pathogenic (1); Likely pathogenic (1). 1 of the submissions does not count toward it. Last evaluated 2025-09-02.

Conditions:
Marfan syndrome (MFS). Also called: MARFAN SYNDROME, TYPE I; FBN1-Related Marfan Syndrome; Marfan syndrome type 1; Marfan's syndrome; Marfan syndrome, classic. Identifiers: Orphanet 284963, Orphanet 558, MedGen C0024796, MONDO:0007947, OMIM 154700.
Familial thoracic aortic aneurysm and aortic dissection (TAAD). Also called: Thoracic aortic aneurysms and dissections. Identifiers: Orphanet 91387, MedGen C4707243, MONDO:0019625.

Submissions (3):

Labcorp Genetics (formerly Invitae), Labcorp
Classification: Pathogenic for Marfan syndrome; Familial thoracic aortic aneurysm and aortic dissection. Last evaluated: 2025-09-02. Review status: criteria provided, single submitter. Criteria: Invitae Variant Classification Sherloc (09022015). Collection method: clinical testing. Allele origin: germline.
Comment: This sequence change replaces cysteine, which is neutral and slightly polar, with arginine, which is basic and polar, at codon 1947 of the FBN1 protein (p.Cys1947Arg). This variant is not present in population databases (gnomAD no frequency). This missense change has been observed in individual(s) with Marfan syndrome (PMID: 30076350, 33910934). In at least one individual the variant was observed to be de novo. ClinVar contains an entry for this variant (Variation ID: 430389). Invitae Evidence Modeling of protein sequence and biophysical properties (such as structural, functional, and spatial information, amino acid conservation, physicochemical variation, residue mobility, and thermodynamic stability) indicates that this missense variant is expected to disrupt FBN1 protein function with a positive predictive value of 95%. This variant affects a cysteine residue in the EGF-like, TGFBP or hybrid motif domains of FBN1. Cysteine residues are believed to be involved in intramolecular disulfide bridges and have been shown to be important for FBN1 protein structure (PMID: 16905551, 19349279). In addition, missense substitutions affecting cysteine residues within these domains are significantly overrepresented among patients with Marfan syndrome (PMID: 16571647, 17701892). For these reasons, this variant has been classified as Pathogenic.

GeneDx
Classification: Likely pathogenic. Last evaluated: 2015-09-08. Review status: criteria provided, single submitter. Criteria: GeneDx Variant Classification (06012015). Collection method: clinical testing. Allele origin: germline. Affected: yes.
Comment: This variant has not been published as a pathogenic variant, nor has it been reported as a benign polymorphism to our knowledge. In addition, missense variants in nearby residues (F1954C, C1956R) have been reported in the Human Gene Mutation Database in association with Marfan syndrome (Stenson et al., 2014), supporting the functional importance of this region of the protein. The C1947R variant was not observed in approximately 6,500 individuals of European and African American ancestry in the NHLBI Exome Sequencing Project, indicating it is not a common benign variant in these populations. The C1947R variant is a non-conservative amino acid substitution, which is likely to impact secondary protein structure as these residues differ in polarity, charge, size and/or other properties. This substitution occurs at a position that is conserved across species and in silico analysis predicts this variant is probably damaging to the protein structure/function. Finally, the C1947R variant affects a Cysteine residue within a calcium-binding EGF-like domain of the FBN1 gene, which may affect disulfide bonding and is predicted to alter the structure and function of the protein. Cysteine substitutions in the calcium-binding EGF-like domains represent the majority of pathogenic missense changes associated with Marfan syndrome (Collod-Beroud et al., 2003).Therefore, this variant is a strong candidate for a pathogenic variant, however the possibility that it is a benign variant cannot be excluded.

Center for Medical Genetics Ghent, University of Ghent
Classification: Likely pathogenic for Marfan syndrome. Last evaluated: 2017-11-07. Review status: no assertion criteria provided. Collection method: clinical testing. Allele origin: germline. Affected: yes. Not counted in ClinVar's aggregate classification.

Literature cited by the submitters: PubMed 30076350 (cited by Labcorp Genetics (formerly Invitae), Labcorp); PubMed 33910934 (cited by Labcorp Genetics (formerly Invitae), Labcorp); PubMed 16905551 (cited by Labcorp Genetics (formerly Invitae), Labcorp); PubMed 19349279 (cited by Labcorp Genetics (formerly Invitae), Labcorp); PubMed 16571647 (cited by Labcorp Genetics (formerly Invitae), Labcorp); PubMed 17701892 (cited by Labcorp Genetics (formerly Invitae), Labcorp).

NM_000138.5(FBN1):c.5839T>C (p.Cys1947Arg)

Gene: FBN1 (fibrillin 1; minus strand). Cytogenetic location: 15q21.1.
Variant type: single nucleotide variant.
Coding change: c.5839T>C on transcript NM_000138.5 (MANE Select); coding-DNA position 5839, T replaced by C.
Protein change: p.Cys1947Arg; replaces cysteine 1947 with arginine.
Molecular consequence: missense variant.
Genome position (GRCh38, 1-based): chr15:48,445,454, A>G on the plus strand (T>C on the coding strand, the complement: FBN1 is on the minus strand). VCF-style: chr15-48445454-A-G. GRCh37 (hg19) VCF-style: chr15-48737651-A-G.
Other names: short protein forms C1947R.
Identifiers: ClinVar variation 430389 (VCV000430389.9), dbSNP rs1131691938, ClinGen allele CA392340092.
Genomic context (GRCh38, chr15:48,445,454, plus strand): 5'-CTGGAGCCACCTCATAGCCTTCATTGCACTGGCACTGGAAAGACCCCACTGTATTAATGC[A>G]TTGGCCATTTCTGCAAAGATTCCCATTTCCACTTGCACATTCATCAACATCTGCAGAAAA-3'
Protein context (NP_000129.3, residues 1937-1957): GNGNLCRNGQ[Cys1947Arg]INTVGSFQCQ